The following is an entry in ClinVar:

ClinVar aggregate classification (germline): Uncertain significance (1 of 4 stars; one submission).

Conditions:
Inborn genetic diseases. Identifiers: MedGen C0950123, MeSH D030342.

Submission:

Ambry Genetics
Classification: Uncertain significance for Inborn genetic diseases. Last evaluated: 2021-10-06. Review status: criteria provided, single submitter. Criteria: Ambry Variant Classification Scheme 2023. Collection method: clinical testing. Allele origin: germline.
Comment: The p.G492R variant (also known as c.1474G>A), located in coding exon 14 of the FUS gene, results from a G to A substitution at nucleotide position 1474. The glycine at codon 492 is replaced by arginine, an amino acid with dissimilar properties. This amino acid position is conserved. In addition, this alteration is predicted to be deleterious by in silico analysis. Since supporting evidence is limited at this time, the clinical significance of this alteration remains unclear.

NM_004960.4(FUS):c.1474G>A (p.Gly492Arg)

Gene: FUS (FUS RNA binding protein; plus strand). Cytogenetic location: 16p11.2.
Variant type: single nucleotide variant.
Coding change: c.1474G>A on transcript NM_004960.4 (MANE Select); coding-DNA position 1474, G replaced by A.
Protein change: p.Gly492Arg; replaces glycine 492 with arginine.
Molecular consequence: missense variant. On other transcripts: non-coding transcript variant (1).
Genome position (GRCh38, 1-based): chr16:31,191,043, G>A. VCF-style: chr16-31191043-G-A. GRCh37 (hg19) VCF-style: chr16-31202364-G-A.
Other names: c.1471G>A, p.Gly491Arg (NM_001170634.1); c.1462G>A, p.Gly488Arg (NM_001170937.1); short protein forms G491R, G488R, G492R.
Identifiers: ClinVar variation 1773442 (VCV001773442.2), dbSNP rs2544279246, ClinGen allele CA395675930.